The following is an entry in ClinVar:

NM_001353108.3(CEP63):c.1400A>C (p.Glu467Ala)

Gene: CEP63 (centrosomal protein 63; plus strand). Cytogenetic location: 3q22.2.
Variant type: single nucleotide variant.
Coding change: c.1400A>C on transcript NM_001353108.3 (MANE Select); coding-DNA position 1400, A replaced by C.
Protein change: p.Glu467Ala; replaces glutamic acid 467 with alanine.
Molecular consequence: missense variant. On other transcripts: non-coding transcript variant (4).
Genome position (GRCh38, 1-based): chr3:134,551,945, A>C. VCF-style: chr3-134551945-A-C. GRCh37 (hg19) VCF-style: chr3-134270787-A-C.
Other names: c.1262A>C, p.Glu421Ala (NM_001042383.2, NM_001042384.2, NM_001353109.1 and 6 more transcripts); c.1400A>C, p.Glu467Ala (NM_001042400.3, NM_001353110.1, NM_001353111.2 and 4 more transcripts); c.1289A>C, p.Glu430Ala (NM_001353118.1); c.1178A>C, p.Glu393Ala (NM_001353125.2); c.899A>C, p.Glu300Ala (NM_001353126.2); short protein forms E421A, E430A, E300A, E393A, E467A.
Identifiers: ClinVar variation 1948638 (VCV001948638.5), dbSNP rs2547059526, ClinGen allele CA354631818.

ClinVar aggregate classification (germline): Uncertain significance (1 of 4 stars; one submission).

gnomAD v4.1: 1 of 1,608,864 alleles (0.000062%); highest among the groups gnomAD compares: Non-Finnish European, 0.000085%; no homozygotes.

Submission:

Labcorp Genetics (formerly Invitae), Labcorp
Classification: Uncertain significance. Last evaluated: 2022-04-29. Review status: criteria provided, single submitter. Criteria: Invitae Variant Classification Sherloc (09022015). Collection method: clinical testing. Allele origin: germline.
Comment: This sequence change replaces glutamic acid, which is acidic and polar, with alanine, which is neutral and non-polar, at codon 467 of the CEP63 protein (p.Glu467Ala). This variant is not present in population databases (gnomAD no frequency). This variant has not been reported in the literature in individuals affected with CEP63-related conditions. Algorithms developed to predict the effect of missense changes on protein structure and function are either unavailable or do not agree on the potential impact of this missense change (SIFT: "Deleterious"; PolyPhen-2: "Probably Damaging"; Align-GVGD: "Class C0"). In summary, the available evidence is currently insufficient to determine the role of this variant in disease. Therefore, it has been classified as a Variant of Uncertain Significance.